The following is an entry in ClinVar:

ClinVar aggregate classification (germline): Benign/Likely benign. Review status: criteria provided, multiple submitters, no conflicts (2 of 4 stars). 4 submissions from 4 submitters: Benign (3); Likely benign (1). Last evaluated 2026-02-03.

Conditions:
FG syndrome (FGS). Identifiers: MedGen C0220769, MONDO:0002010.

Submissions (4):

Labcorp Genetics (formerly Invitae), Labcorp
Classification: Benign for FG syndrome. Last evaluated: 2026-02-03. Review status: criteria provided, single submitter. Criteria: Invitae Variant Classification Sherloc (09022015). Collection method: clinical testing. Allele origin: germline.

Blueprint Genetics
Classification: Likely benign. Last evaluated: 2024-11-26. Review status: criteria provided, single submitter. Criteria: ACMG Guidelines, 2015. Collection method: clinical testing. Allele origin: germline.

Genetic Services Laboratory, University of Chicago
Classification: Benign. Last evaluated: 2017-07-25. Review status: criteria provided, single submitter. Criteria: ACMG Guidelines, 2015. Collection method: clinical testing. Allele origin: germline. Affected: no.

GeneDx
Classification: Benign. Last evaluated: 2015-03-03. Review status: criteria provided, single submitter. Criteria: GeneDx Variant Classification (06012015). Collection method: clinical testing. Allele origin: germline. Affected: yes.
Comment: This variant was found in TAAD,TAADV2-1

NM_005120.3(MED12):c.204+12_204+13del

Gene: MED12 (mediator complex subunit 12; plus strand). Cytogenetic location: Xq13.1.
Variant type: Microsatellite.
Coding change: c.204+12_204+13del on transcript NM_005120.3 (MANE Select); bases 12 to 13 of the intron after coding-DNA position 204, 2 bases deleted (CT; older notation c.204+12_204+13delCT).
Molecular consequence: intron variant.
Genome position (GRCh38, 1-based): chrX:71,119,489-71,119,490, CT deleted; deleting any 2 consecutive bases within chrX:71,119,487-71,119,490 gives the same sequence; the c. name uses the placement nearest the transcript's 3' end. VCF-style (leftmost placement, unchanged base first): chrX-71119486-ACT-A. GRCh37 (hg19) VCF-style: chrX-70339336-ACT-A.
Other names: c.204+12_204+13del (NM_005120.2); c.204+12_204+13delCT (NM_005120.2).
Identifiers: ClinVar variation 213613 (VCV000213613.17), dbSNP rs200301833, ClinGen allele CA321627.